The following is an entry in ClinVar:

ClinVar aggregate classification (germline): Conflicting classifications of pathogenicity. Review status: criteria provided, conflicting classifications (1 of 4 stars). 2 submissions from 2 submitters: Pathogenic (1); Uncertain significance (1). Last evaluated 2025-05-28.

Conditions:
Spinocerebellar ataxia 46. Also called: SPINOCEREBELLAR ATAXIA, 46, AUTOSOMAL DOMINANT, WITH SENSORY AXONAL NEUROPATHY. Identifiers: Orphanet 589522, MedGen C4540404, MONDO:0033481, OMIM 617770.
Dejerine-Sottas disease. Also called: Charcot-Marie-Tooth disease type 3; DEJERINE-SOTTAS NEUROPATHY; HEREDITARY MOTOR AND SENSORY NEUROPATHY TYPE III; HMSN Type III; Hereditary motor and sensory neuropathy 3. Identifiers: Orphanet 64748, MedGen C0011195, MONDO:0007790, OMIM 145900.

Submissions (2):

Dasa
Classification: Uncertain significance for Charcot-Marie-Tooth disease type 3. Last evaluated: 2025-05-28. Review status: criteria provided, single submitter. Criteria: DASA Assertion Criteria. Collection method: clinical testing. Allele origin: germline.
Comment: NM_181882.3(PRX):c.3587del (p.Gly1196Glufs*21) is a frameshift variant in PRX predicted to alter the reading frame and introduce a premature termination codon and is predicted to result in an absent or altered protein product. This variant is rare in population databases. The currently available literature and clinical evidence are not sufficient to establish a definitive association between this variant and the reported condition. Therefore, this variant is classified as a variant of uncertain significance.

Mendelics
Classification: Pathogenic for Spinocerebellar ataxia 46. Last evaluated: 2019-05-28. Review status: criteria provided, single submitter. Criteria: Mendelics Assertion Criteria 2017. Collection method: clinical testing. Allele origin: unknown.

NM_181882.3(PRX):c.3587del (p.Gly1196fs)

Genes: PLD3 (phospholipase D family member 3; plus strand), PRX (periaxin; minus strand). Cytogenetic location: 19q13.2.
Variant type: Deletion.
Coding change: c.3587del on transcript NM_181882.3 (MANE Select); coding-DNA position 3587, one base deleted (G; older notation c.3587delG).
Protein change: p.Gly1196fs; shifts the reading frame from glycine 1196.
Molecular consequence: frameshift variant. On other transcripts: 3 prime UTR variant (1).
Genome position (GRCh38, 1-based): chr19:40,394,765, C deleted on the plus strand (G on the coding strand, the reverse complement: PRX is on the minus strand); the first of 2 consecutive C bases (chr19:40,394,765-40,394,766); deleting either gives the same sequence. VCF-style (leftmost placement, unchanged base first): chr19-40394764-TC-T. GRCh37 (hg19) VCF-style: chr19-40900671-TC-T.
Other names: c.*3792del (NM_020956.2); short protein forms G1196fs.
Identifiers: ClinVar variation 803558 (VCV000803558.3), dbSNP rs1317590341, ClinGen allele CA633466282.
Genomic context (GRCh38, chr19:40,394,764, plus strand): 5'-CACGGTGGGCATCTTAAAGACACCCTCACCCACCAGCAGCTCACCACCTGCAACCTGGGC[TC>T]CAGGCAGAGACAGGGTCACCTGGGGCACCTGAACCCTGTAGCCTGCTGTGCCCTCTGCTG-3'